The following is an entry in ClinVar:

ClinVar aggregate classification (germline): Benign/Likely benign. Review status: criteria provided, multiple submitters, no conflicts (2 of 4 stars). 3 submissions from 3 submitters: Benign (1); Likely benign (2). Last evaluated 2026-09-14.

Conditions:
Spastic paraplegia. Identifiers: MedGen C0037772, HP:0001258.
KDM5C-related disorder. Also called: KDM5C-related condition.
Inborn genetic diseases. Identifiers: MedGen C0950123, MeSH D030342.

Allele frequency attached by ClinVar (database versions not stated): gnomAD exomes 0.00007 and 0.00003; gnomAD 0.00016; 1000 Genomes Project 30x 0.00083; 1000 Genomes Project 0.00079; ESP Exome Variant Server 0.00009; ExAC 0.00014; TOPMed 0.00021.
gnomAD v4.1: 48 of 1,207,879 alleles (0.004%); highest among the groups gnomAD compares: African/African-American, 0.075%; no homozygotes.

Submissions (3):

Ambry Genetics
Classification: Likely benign for Inborn genetic diseases. Last evaluated: 2026-09-14. Review status: criteria provided, single submitter. Criteria: Ambry Variant Classification Scheme 2023. Collection method: clinical testing. Allele origin: germline.

PreventionGenetics, part of Exact Sciences
Classification: Likely benign for KDM5C-related condition. Last evaluated: 2026-04-17. Review status: criteria provided, single submitter. Criteria: ACMG Guidelines, 2015. Collection method: clinical testing. Allele origin: germline.
Comment: This variant is classified as likely benign based on ACMG/AMP sequence variant interpretation guidelines (Richards et al. 2015 PMID: 25741868, with internal and published modifications).

Labcorp Genetics (formerly Invitae), Labcorp
Classification: Benign for Spastic paraplegia. Last evaluated: 2026-01-05. Review status: criteria provided, single submitter. Criteria: Invitae Variant Classification Sherloc (09022015). Collection method: clinical testing. Allele origin: germline.

NM_004187.5(KDM5C):c.3997T>G (p.Ser1333Ala)

Gene: KDM5C (lysine demethylase 5C; minus strand). Cytogenetic location: Xp11.22.
Variant type: single nucleotide variant.
Coding change: c.3997T>G on transcript NM_004187.5 (MANE Select); coding-DNA position 3997, T replaced by G.
Protein change: p.Ser1333Ala; replaces serine 1333 with alanine.
Molecular consequence: missense variant. On other transcripts: non-coding transcript variant (3).
Genome position (GRCh38, 1-based): chrX:53,194,180, A>C on the plus strand (T>G on the coding strand, the complement: KDM5C is on the minus strand). VCF-style: chrX-53194180-A-C. GRCh37 (hg19) VCF-style: chrX-53223362-A-C.
Other names: c.3796T>G, p.Ser1266Ala (NM_001146702.2); c.3994T>G, p.Ser1332Ala (NM_001282622.3, NM_001353979.2, NM_001353982.2); c.3997T>G, p.Ser1333Ala (NM_001353978.3, NM_001353981.2, NM_001353984.2); short protein forms S1266A, S1332A, S1333A.
Identifiers: ClinVar variation 1168199 (VCV001168199.14), dbSNP rs146572363, ClinGen allele CA10419158.
Genomic context (GRCh38, chrX:53,194,180, plus strand): 5'-GCTGGGCTGAGTAGCTCACCTTAGGCATATCCTTGCCACTGCCCTCTCTGAGGGGGTCAG[A>C]AGCAGGGGCTGCAGGGTAGTTAGGAGGCTCCTCAGGTCTAGGTTCAGCCTGTAGCCGTTG-3'
Protein context (NP_004178.2, residues 1323-1343): EPPNYPAAPA[Ser1333Ala]DPLREGSGKD